The following is an entry in ClinVar:

ClinVar aggregate classification (germline): Benign. Review status: criteria provided, single submitter (1 of 4 stars). 2 submissions from 2 submitters: Benign (1). 1 of the submissions does not count toward it. Last evaluated 2018-05-15.

Conditions:
PTPRF-related disorder. Also called: PTPRF-related condition.

Allele frequency attached by ClinVar (database versions not stated): ESP Exome Variant Server 0.00008; gnomAD exomes 0.00032 and 0.00136; gnomAD 0.00042 and 0.00052; TOPMed 0.00057; ExAC 0.00198; 1000 Genomes Project 30x 0.00234; 1000 Genomes Project 0.00260.
gnomAD v4.1: 568 of 1,608,320 alleles (0.035%); highest among the groups gnomAD compares: East Asian, 1.1%; 3 homozygotes.

Submissions (2):

Labcorp Genetics (formerly Invitae), Labcorp
Classification: Benign. Last evaluated: 2018-05-15. Review status: criteria provided, single submitter. Criteria: Invitae Variant Classification Sherloc (09022015). Collection method: clinical testing. Allele origin: germline.

PreventionGenetics, part of Exact Sciences
Classification: Benign for PTPRF-related condition. Last evaluated: 2019-04-24. Review status: no assertion criteria provided. Collection method: clinical testing. Allele origin: germline. Not counted in ClinVar's aggregate classification.
Comment: This variant is classified as benign based on ACMG/AMP sequence variant interpretation guidelines (Richards et al. 2015 PMID: 25741868, with internal and published modifications).

NM_002840.5(PTPRF):c.1903C>T (p.Arg635Cys)

Gene: PTPRF (protein tyrosine phosphatase receptor type F; plus strand). Cytogenetic location: 1p34.2.
Variant type: single nucleotide variant.
Coding change: c.1903C>T on transcript NM_002840.5 (MANE Select); coding-DNA position 1903, C replaced by T.
Protein change: p.Arg635Cys; replaces arginine 635 with cysteine.
Molecular consequence: missense variant. On other transcripts: intron variant (4).
Genome position (GRCh38, 1-based): chr1:43,597,837, C>T. VCF-style: chr1-43597837-C-T. GRCh37 (hg19) VCF-style: chr1-44063508-C-T.
Other names: c.1903C>T, p.Arg635Cys (NM_130440.4); c.1844-883C>T (NM_001329138.2); c.1832-883C>T (NM_001329137.2); c.1814-883C>T (NM_001329139.2, NM_001329140.2); short protein forms R635C.
Identifiers: ClinVar variation 732027 (VCV000732027.5), dbSNP rs17849101, ClinGen allele CA812307.